The following is an entry in ClinVar:

ClinVar aggregate classification (germline): Pathogenic (0 of 4 stars; one submission).

Conditions:
GLI3-related disorder. Also called: GLI3-related condition; GLI3-related disorders. Identifiers: MedGen CN239292.

Submission:

PreventionGenetics, part of Exact Sciences
Classification: Pathogenic for GLI3-related condition. Last evaluated: 2024-07-22. Review status: no assertion criteria provided. Collection method: clinical testing. Allele origin: germline.
Comment: The GLI3 c.3959_3960delAG variant is predicted to result in a frameshift and premature protein termination (p.Gln1320Argfs*29). To our knowledge, this variant has not been reported in the literature or in a large population database, indicating this variant is rare. Frameshift variants in GLI3 are expected to be pathogenic. This variant is interpreted as pathogenic.

NM_000168.6(GLI3):c.3959_3960del (p.Gln1320fs)

Gene: GLI3 (GLI family zinc finger 3; minus strand). Cytogenetic location: 7p14.1.
Variant type: Deletion.
Coding change: c.3959_3960del on transcript NM_000168.6 (MANE Select); coding-DNA positions 3959 to 3960, 2 bases deleted (AG; older notation c.3959_3960delAG).
Protein change: p.Gln1320fs; shifts the reading frame from glutamine 1320.
Molecular consequence: frameshift variant.
Genome position (GRCh38, 1-based): chr7:41,965,113-41,965,114, CT deleted on the plus strand (AG on the coding strand, the reverse complement: GLI3 is on the minus strand). VCF-style (leftmost placement, unchanged base first): chr7-41965112-CCT-C. GRCh37 (hg19) VCF-style: chr7-42004710-CCT-C.
Other names: short protein forms Q1320fs.
Identifiers: ClinVar variation 3346749 (VCV003346749.1).